The following is an entry in ClinVar:

ClinVar aggregate classification (germline): Pathogenic (1 of 4 stars; one submission).

Conditions:
Cobalamin C disease. Also called: Methylmalonic aciduria with homocystinuria cblC type; Cobalamin-C methylmalonic acidemia and homocystinuria; Methylmalonic acidemia and homocystinuria cblC type; methylmalonic aciduria and homocystinuria type cblC; Methylmalonic aciduria and homocystinuria, Vitamin B12-responsive; Vitamin B12 metabolic defect with combined deficiency of methylmalonyl-CoA mutase and homocysteine:methyltetrahydrofolate methyltransferase. Identifiers: Orphanet 26, Orphanet 79282, MedGen C1848561, MONDO:0010184, OMIM 277400.

Submission:

Labcorp Genetics (formerly Invitae), Labcorp
Classification: Pathogenic for Cobalamin C disease. Last evaluated: 2024-04-26. Review status: criteria provided, single submitter. Criteria: Invitae Variant Classification Sherloc (09022015). Collection method: clinical testing. Allele origin: germline.
Comment: This sequence change creates a premature translational stop signal (p.Thr204Aspfs*41) in the MMACHC gene. While this is not anticipated to result in nonsense mediated decay, it is expected to disrupt the last 79 amino acid(s) of the MMACHC protein. This variant is not present in population databases (gnomAD no frequency). This variant has not been reported in the literature in individuals affected with MMACHC-related conditions. This variant disrupts a region of the MMACHC protein in which other variant(s) (p.Tyr222*) have been determined to be pathogenic (PMID: 16311595, 19767224, 30157807). This suggests that this is a clinically significant region of the protein, and that variants that disrupt it are likely to be disease-causing. For these reasons, this variant has been classified as Pathogenic.

Literature cited by the submitters: PubMed 16311595; PubMed 19767224; PubMed 30157807.

NM_015506.3(MMACHC):c.609dup (p.Thr204fs)

Genes: MMACHC (metabolism of cobalamin associated C; plus strand), LOC129930446 (ATAC-STARR-seq lymphoblastoid active region 972; plus strand). Cytogenetic location: 1p34.1.
Variant type: Duplication.
Coding change: c.609dup on transcript NM_015506.3 (MANE Select); coding-DNA position 609, one base duplicated (G; older notation c.609dupG).
Protein change: p.Thr204fs; shifts the reading frame from threonine 204.
Molecular consequence: frameshift variant.
Genome position (GRCh38, 1-based): chr1:45,508,975, G duplicated; the last of 2 consecutive G bases (chr1:45,508,974-45,508,975); duplicating either gives the same sequence. VCF-style (leftmost placement, unchanged base first): chr1-45508973-T-TG. GRCh37 (hg19) VCF-style: chr1-45974645-T-TG.
Other names: c.438dup, p.Thr147fs (NM_001330540.2); short protein forms T204fs, T147fs.
Identifiers: ClinVar variation 3650938 (VCV003650938.2).